The following is an entry in ClinVar:

NM_017780.4(CHD7):c.8550T>C (p.Asn2850=)

Gene: CHD7 (chromodomain helicase DNA binding protein 7; plus strand). Cytogenetic location: 8q12.2.
Variant type: single nucleotide variant.
Coding change: c.8550T>C on transcript NM_017780.4 (MANE Select); coding-DNA position 8550, T replaced by C.
Protein change: p.Asn2850=; no amino-acid change (asparagine 2850 retained).
Molecular consequence: synonymous variant.
Genome position (GRCh38, 1-based): chr8:60,865,489, T>C. VCF-style: chr8-60865489-T-C. GRCh37 (hg19) VCF-style: chr8-61778048-T-C.
Other names: c.2403T>C, p.Asn801= (NM_001316690.1).
Identifiers: ClinVar variation 696483 (VCV000696483.41), dbSNP rs199565939, ClinGen allele CA4761029.

ClinVar aggregate classification (germline): Conflicting classifications of pathogenicity. Review status: criteria provided, conflicting classifications (1 of 4 stars). 5 submissions from 5 submitters: Uncertain significance (1); Likely benign (4). Last evaluated 2025-12-30.

Conditions:
Inborn genetic diseases. Identifiers: MedGen C0950123, MeSH D030342.
Hypogonadotropic hypogonadism 5 with or without anosmia (KAL5). Also called: HYPOGONADOTROPIC HYPOGONADISM 5 WITH ANOSMIA; HYPOGONADOTROPHIC HYPOGONADISM 5 WITHOUT ANOSMIA; CHD7-Related GnRH Deficiency (Kallmann Syndrome 5). Identifiers: Orphanet 478, MedGen C3552553, MONDO:0012880, OMIM 612370. Disease mechanism: loss of function.
CHARGE syndrome (CHARGE). Also called: Coloboma, heart anomaly, choanal atresia, retardation, genital and ear anomalies; CHARGE association; Hall-Hittner syndrome; Hittner Hirsch Kreh syndrome; CHARGE ASSOCIATION--COLOBOMA, HEART ANOMALY, CHOANAL ATRESIA, RETARDATION, GENITAL AND EAR ANOMALIES. Identifiers: Orphanet 138, MedGen C0265354, MONDO:0008965.

Allele frequency attached by ClinVar (database versions not stated): gnomAD 0.00004 and 0.00005; gnomAD exomes 0.00004 and 0.00007; ExAC 0.00005; TOPMed 0.00005; ESP Exome Variant Server 0.00008; 1000 Genomes Project 30x 0.00016; 1000 Genomes Project 0.00020.
gnomAD v4.1: 73 of 1,614,030 alleles (0.0045%); highest among the groups gnomAD compares: East Asian, 0.0045%; no homozygotes.

Submissions (5):

Labcorp Genetics (formerly Invitae), Labcorp
Classification: Likely benign for CHARGE syndrome. Last evaluated: 2025-12-30. Review status: criteria provided, single submitter. Criteria: Invitae Variant Classification Sherloc (09022015). Collection method: clinical testing. Allele origin: germline.

CeGaT Center for Human Genetics Tuebingen
Classification: Likely benign. Last evaluated: 2022-11-01. Review status: criteria provided, single submitter. Criteria: CeGaT Center For Human Genetics Tuebingen Variant Classification Criteria Version 2. Collection method: clinical testing. Allele origin: germline. Affected: yes. Observed: 1 variant allele.
Comment: CHD7: BP4, BP7

Blueprint Genetics
Classification: Likely benign. Last evaluated: 2022-09-15. Review status: criteria provided, single submitter. Criteria: ACMG Guidelines, 2015. Collection method: clinical testing. Allele origin: germline.

Ambry Genetics
Classification: Likely benign for Inborn genetic diseases. Last evaluated: 2018-05-18. Review status: criteria provided, single submitter. Criteria: Ambry Variant Classification Scheme 2023. Collection method: clinical testing. Allele origin: germline.

Illumina Laboratory Services, Illumina
Classification: Uncertain significance for Kallmann Syndrome 5. Last evaluated: 2018-01-12. Review status: criteria provided, single submitter. Criteria: ICSL Variant Classification Criteria 13 December 2019. Collection method: clinical testing. Allele origin: germline.